The following is an entry in ClinVar:

NM_000051.4(ATM):c.2125-19A>C

Gene: ATM (ATM serine/threonine kinase; plus strand). Cytogenetic location: 11q22.3.
Variant type: single nucleotide variant.
Coding change: c.2125-19A>C on transcript NM_000051.4 (MANE Select); 19 bases into the intron before coding-DNA position 2125, A replaced by C.
Molecular consequence: intron variant.
Genome position (GRCh38, 1-based): chr11:108,256,196, A>C. VCF-style: chr11-108256196-A-C. GRCh37 (hg19) VCF-style: chr11-108126923-A-C.
Other names: c.2125-19A>C (NM_001351834.2).
Identifiers: ClinVar variation 1603910 (VCV001603910.9), dbSNP rs2080469665, ClinGen allele CA2573146391.

ClinVar aggregate classification (germline): Likely benign. Review status: criteria provided, multiple submitters, no conflicts (2 of 4 stars). 2 submissions from 2 submitters: Likely benign (2). Last evaluated 2024-05-07.

Conditions:
Familial cancer of breast. Also called: hereditary breast carcinoma; Hereditary breast cancer; BREAST CANCER, FAMILIAL. Identifiers: Orphanet 227535, MedGen C0346153, MONDO:0016419, OMIM 114480. Disease mechanism: loss of function.
Ataxia-telangiectasia syndrome (AT). Also called: ATAXIA-TELANGIECTASIA, FRESNO VARIANT; AT, COMPLEMENTATION GROUP C; LOUIS-BAR SYNDROME; Ataxia telangiectasia (A-T); Cerebello-oculocutaneous telangiectasia; Immunodeficiency with ataxia telangiectasia. Identifiers: Orphanet 100, MedGen C0004135, MONDO:0008840, OMIM 208900.

Submissions (2):

Myriad Genetics, Inc.
Classification: Likely benign for Familial cancer of breast. Last evaluated: 2024-05-07. Review status: criteria provided, single submitter. Criteria: Myriad Autosomal Dominant, Autosomal Recessive and X-Linked Classification Criteria (2023). Collection method: clinical testing. Allele origin: unknown.
Comment: This variant is considered likely benign. This variant is intronic and is not expected to impact mRNA splicing.

Labcorp Genetics (formerly Invitae), Labcorp
Classification: Likely benign for Ataxia-telangiectasia syndrome. Last evaluated: 2022-02-20. Review status: criteria provided, single submitter. Criteria: Invitae Variant Classification Sherloc (09022015). Collection method: clinical testing. Allele origin: germline.